The following is an entry in ClinVar:

ClinVar aggregate classification (germline): Uncertain significance. Review status: criteria provided, multiple submitters, no conflicts (2 of 4 stars). 2 submissions from 2 submitters: Uncertain significance (2). Last evaluated 2024-03-04.

Conditions:
Donnai-Barrow syndrome. Also called: DBS/FOAR SYNDROME; FACIOOCULOACOUSTICORENAL SYNDROME. Identifiers: Orphanet 2143, MedGen C1857277, MONDO:0009104, OMIM 222448.

gnomAD v4.1: 1 of 1,612,942 alleles (0.000062%); no homozygotes.

Submissions (2):

Fulgent Genetics
Classification: Uncertain significance for Donnai-Barrow syndrome. Last evaluated: 2024-03-04. Review status: criteria provided, single submitter. Criteria: ACMG Guidelines, 2015. Collection method: clinical testing. Allele origin: germline.

Labcorp Genetics (formerly Invitae), Labcorp
Classification: Uncertain significance. Last evaluated: 2021-08-31. Review status: criteria provided, single submitter. Criteria: Invitae Variant Classification Sherloc (09022015). Collection method: clinical testing. Allele origin: germline.
Comment: This sequence change replaces glycine with aspartic acid at codon 908 of the LRP2 protein (p.Gly908Asp). The glycine residue is moderately conserved and there is a moderate physicochemical difference between glycine and aspartic acid. This variant is not present in population databases (ExAC no frequency). This variant has not been reported in the literature in individuals affected with LRP2-related conditions. Advanced modeling of protein sequence and biophysical properties (such as structural, functional, and spatial information, amino acid conservation, physicochemical variation, residue mobility, and thermodynamic stability) performed at Invitae indicates that this missense variant is not expected to disrupt LRP2 protein function. In summary, the available evidence is currently insufficient to determine the role of this variant in disease. Therefore, it has been classified as a Variant of Uncertain Significance.

NM_004525.3(LRP2):c.2723G>A (p.Gly908Asp)

Gene: LRP2 (LDL receptor related protein 2; minus strand). Cytogenetic location: 2q31.1.
Variant type: single nucleotide variant.
Coding change: c.2723G>A on transcript NM_004525.3 (MANE Select); coding-DNA position 2723, G replaced by A.
Protein change: p.Gly908Asp; replaces glycine 908 with aspartic acid.
Molecular consequence: missense variant.
Genome position (GRCh38, 1-based): chr2:169,256,153, C>T on the plus strand (G>A on the coding strand, the complement: LRP2 is on the minus strand). VCF-style: chr2-169256153-C-T. GRCh37 (hg19) VCF-style: chr2-170112663-C-T.
Other names: short protein forms G908D.
Identifiers: ClinVar variation 1385067 (VCV001385067.6), dbSNP rs2105405639, ClinGen allele CA349155388.
Genomic context (GRCh38, chr2:169,256,153, plus strand): 5'-CTTTAAAACATACCTCCAAAGATGGCAAGTCCAAACGGATGTGTCATCTGCTCTATATGG[C>T]CCAGTCTTCTTCTGTCTAAACCATCAAAGGTGCTGTGCTCAATTTTATCAAAATAGGCAT-3'
Protein context (NP_004516.2, residues 898-918): TFDGLDRRRL[Gly908Asp]HIEQMTHPFG